The following is an entry in ClinVar:

NM_000038.6(APC):c.4507T>A (p.Ser1503Thr)

Gene: APC (APC regulator of Wnt signaling pathway; plus strand). Cytogenetic location: 5q22.2.
Variant type: single nucleotide variant.
Coding change: c.4507T>A on transcript NM_000038.6 (MANE Select); coding-DNA position 4507, T replaced by A.
Protein change: p.Ser1503Thr; replaces serine 1503 with threonine.
Molecular consequence: missense variant.
Genome position (GRCh38, 1-based): chr5:112,840,101, T>A. VCF-style: chr5-112840101-T-A. GRCh37 (hg19) VCF-style: chr5-112175798-T-A.
Other names: c.4204T>A, p.Ser1402Thr (NM_001407459.1, NM_001407460.1, NM_001354903.2 and 1 more transcripts); c.4120T>A, p.Ser1374Thr (NM_001407467.1, NM_001407469.1); c.3658T>A, p.Ser1220Thr (NM_001407470.1, NM_001354906.2); c.3355T>A, p.Ser1119Thr (NM_001407471.1, NM_001407472.1); c.4507T>A, p.Ser1503Thr (NM_001127510.3, NM_001354895.2, NM_001407450.1); c.4453T>A, p.Ser1485Thr (NM_001127511.3); c.4561T>A, p.Ser1521Thr (NM_001354896.2, NM_001407447.1, NM_001407448.1 and 1 more transcripts); c.4537T>A, p.Ser1513Thr (NM_001354897.2); and 11 more; short protein forms S1402T, S1444T, S1475T, S1119T, S1220T, S1478T, S1485T, S1343T.
Identifiers: ClinVar variation 1741080 (VCV001741080.3), dbSNP rs2149916336, ClinGen allele CA16031193.
Genomic context (GRCh38, chr5:112,840,101, plus strand): 5'-CCAGATGCTGATACTTTATTACATTTTGCCACGGAAAGTACTCCAGATGGATTTTCTTGT[T>A]CATCCAGCCTGAGTGCTCTGAGCCTCGATGAGCCATTTATACAGAAAGATGTGGAATTAA-3'
Protein context (NP_000029.2, residues 1493-1513): TESTPDGFSC[Ser1503Thr]SSLSALSLDE

ClinVar aggregate classification (germline): Uncertain significance (1 of 4 stars; one submission).

Conditions:
Hereditary cancer-predisposing syndrome. Also called: Hereditary Cancer Syndrome; Hereditary neoplastic syndrome; Neoplastic Syndromes, Hereditary; Tumor predisposition. Identifiers: Orphanet 140162, MedGen C0027672, MeSH D009386, MONDO:0015356.

Submission:

Ambry Genetics
Classification: Uncertain significance for Hereditary cancer-predisposing syndrome. Last evaluated: 2025-08-05. Review status: criteria provided, single submitter. Criteria: Ambry Variant Classification Scheme 2023. Collection method: clinical testing. Allele origin: germline.
Comment: The p.S1503T variant (also known as c.4507T>A), located in coding exon 15 of the APC gene, results from a T to A substitution at nucleotide position 4507. The serine at codon 1503 is replaced by threonine, an amino acid with similar properties. This amino acid position is not well conserved in available vertebrate species. In addition, in silico predictors for this gene do not accurately predict pathogenicity. Missense alterations in APC are not a common cause of disease (Spier I et al. Genet Med. 2024 Feb;26(2):100992). Based on the available evidence, the clinical significance of this variant remains unclear.